The following is an entry in ClinVar:

ClinVar aggregate classification (germline): Uncertain significance. Review status: criteria provided, multiple submitters, no conflicts (2 of 4 stars). 2 submissions from 2 submitters: Uncertain significance (2). Last evaluated 2023-05-23.

Conditions:
Congenital myasthenic syndrome 8. Also called: Myasthenic syndrome, congenital, 8, with pre- and postsynaptic defects; MYASTHENIC SYNDROME, CONGENITAL, DUE TO AGRIN DEFICIENCY. Identifiers: Orphanet 590, MedGen C3808739, MONDO:0014052, OMIM 615120.

Allele frequency attached by ClinVar (database versions not stated): gnomAD exomes 0.00002; ExAC 0.00003.

Submissions (2):

Labcorp Genetics (formerly Invitae), Labcorp
Classification: Uncertain significance for Congenital myasthenic syndrome 8. Last evaluated: 2023-05-23. Review status: criteria provided, single submitter. Criteria: Invitae Variant Classification Sherloc (09022015). Collection method: clinical testing. Allele origin: germline.
Comment: This sequence change replaces glutamic acid, which is acidic and polar, with glycine, which is neutral and non-polar, at codon 397 of the AGRN protein (p.Glu397Gly). This variant is present in population databases (rs780423156, gnomAD 0.02%). This variant has not been reported in the literature in individuals affected with AGRN-related conditions. An algorithm developed to predict the effect of missense changes on protein structure and function (PolyPhen-2) suggests that this variant is likely to be tolerated. Algorithms developed to predict the effect of sequence changes on RNA splicing suggest that this variant may disrupt the consensus splice site. In summary, the available evidence is currently insufficient to determine the role of this variant in disease. Therefore, it has been classified as a Variant of Uncertain Significance.

Blueprint Genetics
Classification: Uncertain significance. Last evaluated: 2021-12-21. Review status: criteria provided, single submitter. Criteria: ACMG Guidelines, 2015. Collection method: clinical testing. Allele origin: germline.

NM_198576.4(AGRN):c.1190A>G (p.Glu397Gly)

Gene: AGRN (agrin; plus strand). Cytogenetic location: 1p36.33.
Variant type: single nucleotide variant.
Coding change: c.1190A>G on transcript NM_198576.4 (MANE Select); coding-DNA position 1190, A replaced by G.
Protein change: p.Glu397Gly; replaces glutamic acid 397 with glycine.
Molecular consequence: missense variant.
Genome position (GRCh38, 1-based): chr1:1,041,968, A>G. VCF-style: chr1-1041968-A-G. GRCh37 (hg19) VCF-style: chr1-977348-A-G.
Other names: c.1190A>G, p.Glu397Gly (NM_001305275.2); c.875A>G, p.Glu292Gly (NM_001364727.2); short protein forms E397G, E292G.
Identifiers: ClinVar variation 2978521 (VCV002978521.4), dbSNP rs780423156, ClinGen allele CA508068.
Genomic context (GRCh38, chr1:1,041,968, plus strand): 5'-TGGAGGGTGCTCCAGCCTCTCCGTGACTCCCTCACCCCTGCGTCCTAGACCAGTGCCCGG[A>G]GCCCTGCCGGTTCAATGCCGTGTGCCTGTCCCGCCGTGGCCGTCCCCGCTGCTCCTGCGA-3'
Protein context (NP_940978.2, residues 387-407): GQCQGRDQCP[Glu397Gly]PCRFNAVCLS